The following is an entry in ClinVar:

ClinVar aggregate classification (germline): Uncertain significance (1 of 4 stars; one submission).

Submission:

Labcorp Genetics (formerly Invitae), Labcorp
Classification: Uncertain significance. Last evaluated: 2025-08-31. Review status: criteria provided, single submitter. Criteria: Invitae Variant Classification Sherloc (09022015). Collection method: clinical testing. Allele origin: germline.
Comment: This variant, c.4027_4029del, results in the deletion of 1 amino acid(s) of the MYH7B protein (p.Lys1343del), but otherwise preserves the integrity of the reading frame. This variant is present in population databases (rs751415630, gnomAD 0.02%). This variant has not been reported in the literature in individuals affected with MYH7B-related conditions. In summary, the available evidence is currently insufficient to determine the role of this variant in disease. Therefore, it has been classified as a Variant of Uncertain Significance.

NM_020884.7(MYH7B):c.3901_3903del (p.Lys1301del)

Gene: MYH7B (myosin heavy chain 7B; plus strand). Cytogenetic location: 20q11.22.
Variant type: Deletion.
Coding change: c.3901_3903del on transcript NM_020884.7 (MANE Select); coding-DNA positions 3901 to 3903, 3 bases deleted (AAG; older notation c.3901_3903delAAG).
Protein change: p.Lys1301del; deletes lysine 1301.
Molecular consequence: inframe deletion.
Genome position (GRCh38, 1-based): chr20:34,998,537-34,998,539, AAG deleted; deleting any 3 consecutive bases within chr20:34,998,535-34,998,539 gives the same sequence; the c. name uses the placement nearest the transcript's 3' end. VCF-style (leftmost placement, unchanged base first): chr20-34998534-GAGA-G. GRCh37 (hg19) VCF-style: chr20-33586337-GAGA-G.
Other names: short protein forms K1301del.
Identifiers: ClinVar variation 4750216 (VCV004750216.1).